The following is an entry in ClinVar:

ClinVar aggregate classification (germline): Uncertain significance (1 of 4 stars; one submission).

gnomAD v4.1: 15 of 1,613,168 alleles (0.00093%); highest among the groups gnomAD compares: African/African-American, 0.0013%; no homozygotes.

Submission:

GeneDx
Classification: Uncertain significance. Last evaluated: 2024-01-02. Review status: criteria provided, single submitter. Criteria: GeneDx Variant Classification Process June 2021. Collection method: clinical testing. Allele origin: germline. Affected: yes.
Comment: In silico analysis supports that this missense variant has a deleterious effect on protein structure/function; Has not been previously published as pathogenic or benign to our knowledge

NM_001353694.2(TIAM1):c.1864C>T (p.Arg622Cys)

Gene: TIAM1 (TIAM Rac1 associated GEF 1; minus strand). Cytogenetic location: 21q22.11.
Variant type: single nucleotide variant.
Coding change: c.1864C>T on transcript NM_001353694.2 (MANE Select); coding-DNA position 1864, C replaced by T.
Protein change: p.Arg622Cys; replaces arginine 622 with cysteine.
Molecular consequence: missense variant.
Genome position (GRCh38, 1-based): chr21:31,223,537, G>A on the plus strand (C>T on the coding strand, the complement: TIAM1 is on the minus strand). VCF-style: chr21-31223537-G-A. GRCh37 (hg19) VCF-style: chr21-32595853-G-A.
Other names: c.1864C>T, p.Arg622Cys (NM_001353686.2, NM_001353687.2, NM_001353688.1 and 6 more transcripts); short protein forms R622C.
Identifiers: ClinVar variation 3367287 (VCV003367287.1).